The following is an entry in ClinVar:

NM_138694.4(PKHD1):c.5708T>C (p.Val1903Ala)

Gene: PKHD1 (PKHD1 ciliary IPT domain containing fibrocystin/polyductin; minus strand). Cytogenetic location: 6p12.2.
Variant type: single nucleotide variant.
Coding change: c.5708T>C on transcript NM_138694.4 (MANE Select); coding-DNA position 5708, T replaced by C.
Protein change: p.Val1903Ala; replaces valine 1903 with alanine.
Molecular consequence: missense variant.
Genome position (GRCh38, 1-based): chr6:52,010,352, A>G on the plus strand (T>C on the coding strand, the complement: PKHD1 is on the minus strand). VCF-style: chr6-52010352-A-G. GRCh37 (hg19) VCF-style: chr6-51875150-A-G.
Other names: c.5708T>C, p.Val1903Ala (NM_170724.3); short protein forms V1903A.
Identifiers: ClinVar variation 2037329 (VCV002037329.1), dbSNP rs2128117079, ClinGen allele CA364422682.

ClinVar aggregate classification (germline): Uncertain significance (1 of 4 stars; one submission).

Conditions:
Autosomal recessive polycystic kidney disease (ARPKD). Also called: AR polycystic kidney disease. Identifiers: Orphanet 731, Orphanet 8378, MedGen C0085548, MeSH D017044, MONDO:0009889.

Submission:

Labcorp Genetics (formerly Invitae), Labcorp
Classification: Uncertain significance for Autosomal recessive polycystic kidney disease. Last evaluated: 2021-08-12. Review status: criteria provided, single submitter. Criteria: Invitae Variant Classification Sherloc (09022015). Collection method: clinical testing. Allele origin: germline.
Comment: This sequence change replaces valine with alanine at codon 1903 of the PKHD1 protein (p.Val1903Ala). The valine residue is weakly conserved and there is a small physicochemical difference between valine and alanine. This variant is not present in population databases (ExAC no frequency). This variant has not been reported in the literature in individuals affected with PKHD1-related conditions. Advanced modeling of protein sequence and biophysical properties (such as structural, functional, and spatial information, amino acid conservation, physicochemical variation, residue mobility, and thermodynamic stability) performed at Invitae indicates that this missense variant is not expected to disrupt PKHD1 protein function. In summary, the available evidence is currently insufficient to determine the role of this variant in disease. Therefore, it has been classified as a Variant of Uncertain Significance.